The following is an entry in ClinVar:

NM_003579.4(RAD54L):c.1996A>G (p.Ile666Val)

Genes: LRRC41 (leucine rich repeat containing 41; minus strand), RAD54L (RAD54 like; plus strand). Cytogenetic location: 1p34.1.
Variant type: single nucleotide variant.
Coding change: c.1996A>G on transcript NM_003579.4 (MANE Select); coding-DNA position 1996, A replaced by G.
Protein change: p.Ile666Val; replaces isoleucine 666 with valine.
Molecular consequence: missense variant. On other transcripts: 3 prime UTR variant (1).
Genome position (GRCh38, 1-based): chr1:46,277,943, A>G. VCF-style: chr1-46277943-A-G. GRCh37 (hg19) VCF-style: chr1-46743615-A-G.
Other names: c.*922T>C (NM_006369.5); c.1996A>G, p.Ile666Val (NM_001142548.2); c.1456A>G, p.Ile486Val (NM_001370766.1); short protein forms I666V, I486V.
Identifiers: ClinVar variation 1784051 (VCV001784051.3), dbSNP rs767901196, ClinGen allele CA834783.

ClinVar aggregate classification (germline): Uncertain significance (1 of 4 stars; one submission).

Allele frequency attached by ClinVar (database versions not stated): ExAC 0.00002.
gnomAD v4.1: 7 of 1,614,140 alleles (0.00043%); highest among the groups gnomAD compares: Admixed American, 0.005%; no homozygotes.

Submission:

Ambry Genetics
Classification: Uncertain significance. Last evaluated: 2024-10-12. Review status: criteria provided, single submitter. Criteria: Ambry Variant Classification Scheme 2023. Collection method: clinical testing. Allele origin: germline.
Comment: The p.I666V variant (also known as c.1996A>G), located in coding exon 17 of the RAD54L gene, results from an A to G substitution at nucleotide position 1996. The isoleucine at codon 666 is replaced by valine, an amino acid with highly similar properties. This amino acid position is conserved. In addition, this alteration is predicted to be tolerated by in silico analysis. Since supporting evidence is limited at this time, the clinical significance of this alteration remains unclear.